The following is an entry in ClinVar:

ClinVar aggregate classification (germline): Likely pathogenic (1 of 4 stars; one submission).

Submission:

Labcorp Genetics (formerly Invitae), Labcorp
Classification: Likely pathogenic. Last evaluated: 2022-03-02. Review status: criteria provided, single submitter. Criteria: Invitae Variant Classification Sherloc (09022015). Collection method: clinical testing. Allele origin: germline.
Comment: Variants that disrupt the consensus splice site are a relatively common cause of aberrant splicing (PMID: 17576681, 9536098). Algorithms developed to predict the effect of sequence changes on RNA splicing suggest that this variant may disrupt the consensus splice site. This sequence change falls in intron 1 of the FRMD7 gene. It does not directly change the encoded amino acid sequence of the FRMD7 protein. It affects a nucleotide within the consensus splice site. This variant is not present in population databases (gnomAD no frequency). This variant has been observed in individual(s) with nystagmus (PMID: 17397053). It has also been observed to segregate with disease in related individuals. In summary, the currently available evidence indicates that the variant is pathogenic, but additional data are needed to prove that conclusively. Therefore, this variant has been classified as Likely Pathogenic.

Literature cited by the submitters: PubMed 17576681; PubMed 9536098; PubMed 17397053.

NM_194277.3(FRMD7):c.57+5G>A

Gene: FRMD7 (FERM domain containing 7; minus strand). Cytogenetic location: Xq26.2.
Variant type: single nucleotide variant.
Coding change: c.57+5G>A on transcript NM_194277.3 (MANE Select); 5 bases into the intron after coding-DNA position 57, G replaced by A.
Molecular consequence: intron variant.
Genome position (GRCh38, 1-based): chrX:132,127,783, C>T on the plus strand (G>A on the coding strand, the complement: FRMD7 is on the minus strand). VCF-style: chrX-132127783-C-T. GRCh37 (hg19) VCF-style: chrX-131261811-C-T.
Other names: c.57+5G>A (NM_001306193.2).
Identifiers: ClinVar variation 1520725 (VCV001520725.8), dbSNP rs2124045967, ClinGen allele CA2573159216.